The following is an entry in ClinVar:

ClinVar aggregate classification (germline): Uncertain significance (1 of 4 stars; one submission).

Conditions:
Neuropathy, hereditary sensory and autonomic, type 2A (HSAN2A). Also called: HSAN IIA; WNK1-Related HSAN2 (HSAN2A); MORVAN DISEASE; NEUROPATHY, CONGENITAL SENSORY; NEUROPATHY, HEREDITARY SENSORY RADICULAR, AUTOSOMAL RECESSIVE; NEUROPATHY, HEREDITARY SENSORY, TYPE IIA. Identifiers: Orphanet 970, MedGen C2752089, MONDO:0024309, OMIM 201300.
Generalized epilepsy with febrile seizures plus, type 7 (GEFSP7). Also called: GEFS+, TYPE 7. Identifiers: Orphanet 36387, MedGen C2751778, MONDO:0013470, OMIM 613863.

Submission:

Labcorp Genetics (formerly Invitae), Labcorp
Classification: Uncertain significance for Neuropathy, hereditary sensory and autonomic, type 2A; Generalized epilepsy with febrile seizures plus, type 7. Last evaluated: 2025-06-19. Review status: criteria provided, single submitter. Criteria: Invitae Variant Classification Sherloc (09022015). Collection method: clinical testing. Allele origin: germline.
Comment: This sequence change replaces asparagine, which is neutral and polar, with serine, which is neutral and polar, at codon 714 of the SCN9A protein (p.Asn714Ser). The frequency data for this variant in the population databases is considered unreliable, as metrics indicate poor data quality at this position in the gnomAD database. This variant has not been reported in the literature in individuals affected with SCN9A-related conditions. Invitae Evidence Modeling of protein sequence and biophysical properties (such as structural, functional, and spatial information, amino acid conservation, physicochemical variation, residue mobility, and thermodynamic stability) indicates that this missense variant is not expected to disrupt SCN9A protein function with a negative predictive value of 95%. In summary, the available evidence is currently insufficient to determine the role of this variant in disease. Therefore, it has been classified as a Variant of Uncertain Significance.

NM_001365536.1(SCN9A):c.2174A>G (p.Asn725Ser)

Genes: SCN9A (sodium voltage-gated channel alpha subunit 9; minus strand), SCN1A-AS1 (SCN1A and SCN9A antisense RNA 1; plus strand). Cytogenetic location: 2q24.3.
Variant type: single nucleotide variant.
Coding change: c.2174A>G on transcript NM_001365536.1 (MANE Select); coding-DNA position 2174, A replaced by G.
Protein change: p.Asn725Ser; replaces asparagine 725 with serine.
Molecular consequence: missense variant.
Genome position (GRCh38, 1-based): chr2:166,280,526, T>C on the plus strand (A>G on the coding strand, the complement: SCN9A is on the minus strand). VCF-style: chr2-166280526-T-C. GRCh37 (hg19) VCF-style: chr2-167137036-T-C.
Other names: c.2141A>G, p.Asn714Ser (NM_002977.4); short protein forms N725S, N714S.
Identifiers: ClinVar variation 4793864 (VCV004793864.1).